The following is an entry in ClinVar:

NM_024675.4(PALB2):c.901_902delinsT (p.Asp301fs)

Gene: PALB2 (partner and localizer of BRCA2; minus strand). Cytogenetic location: 16p12.2.
Variant type: Indel.
Coding change: c.901_902delinsT on transcript NM_024675.4 (MANE Select); coding-DNA positions 901 to 902, GA replaced by T.
Protein change: p.Asp301fs; shifts the reading frame from aspartic acid 301.
Molecular consequence: frameshift variant. On other transcripts: intron variant (3).
Genome position (GRCh38, 1-based): chr16:23,635,644-23,635,645, TC replaced by A on the plus strand (GA replaced by T on the coding strand, the reverse complement: PALB2 is on the minus strand). VCF-style: chr16-23635644-TC-A. GRCh37 (hg19) VCF-style: chr16-23646965-TC-A.
Other names: c.841_842delinsT, p.Asp281fs (NM_001407296.1); c.901_902delinsT, p.Asp301fs (NM_001407297.1, NM_001407298.1, NM_001407299.1 and 3 more transcripts); c.16_17delinsT, p.Asp6fs (NM_001407304.1, NM_001407305.1, NM_001407306.1 and 5 more transcripts); c.48+5465_48+5466delinsT (NM_001407314.1); c.-104-5176_-104-5175delinsT (NM_001407313.1, NM_001407312.1); short protein forms D281fs, D301fs, D6fs.
Identifiers: ClinVar variation 4847604 (VCV004847604.1).

ClinVar aggregate classification (germline): Pathogenic (1 of 4 stars; one submission).

Conditions:
Hereditary breast ovarian cancer syndrome. Also called: Breast and ovarian cancer; Hereditary breast and ovarian cancer; Hereditary breast and/or ovarian cancer syndrome; BRCA1- and BRCA2-Associated Hereditary Breast and Ovarian Cancer; Hereditary breast and ovarian cancer syndrome; Hereditary breast and ovarian cancer syndrome (HBOC). Identifiers: Orphanet 145, MedGen C0677776, MeSH D061325, MONDO:0003582. Disease mechanism: loss of function.

Submission:

Women's Health and Genetics/Laboratory Corporation of America, LabCorp
Classification: Pathogenic for Hereditary breast ovarian cancer syndrome. Last evaluated: 2026-03-30. Review status: criteria provided, single submitter. Criteria: LabCorp Variant Classification Summary - May 2015. Collection method: clinical testing. Allele origin: germline.
Comment: Variant summary: PALB2 c.901_902delinsT (p.Asp301LeufsX5) results in a premature termination codon, predicted to cause a truncation of the encoded protein or absence of the protein due to nonsense mediated decay, which are commonly known mechanisms for disease. The variant was absent in 251324 control chromosomes. To our knowledge, no occurrence of c.901_902delinsT in individuals affected with PALB2-related conditions and no experimental evidence demonstrating its impact on protein function have been reported. No submitters have cited clinical-significance assessments for this variant to ClinVar. Based on the evidence outlined above, the variant was classified as pathogenic.